The following is an entry in ClinVar:

ClinVar aggregate classification (germline): Benign. Review status: criteria provided, multiple submitters, no conflicts (2 of 4 stars). 2 submissions from 2 submitters: Benign (2). Last evaluated 2018-06-14.

Allele frequency attached by ClinVar (database versions not stated): gnomAD exomes 0.02725 and 0.03699; ExAC 0.04032; gnomAD 0.08582 and 0.09065; ESP Exome Variant Server 0.09334; TOPMed 0.09489; 1000 Genomes Project 0.09605; 1000 Genomes Project 30x 0.10025.
gnomAD v4.1: 53,026 of 1,592,992 alleles (3.3%); highest among the groups gnomAD compares: African/African-American, 25%; 2,923 homozygotes.

Submissions (2):

GeneDx
Classification: Benign. Last evaluated: 2018-06-14. Review status: criteria provided, single submitter. Criteria: GeneDx Variant Classification (06012015). Collection method: clinical testing. Allele origin: germline. Affected: yes.
Comment: This variant is considered likely benign or benign based on one or more of the following criteria: it is a conservative change, it occurs at a poorly conserved position in the protein, it is predicted to be benign by multiple in silico algorithms, and/or has population frequency not consistent with disease.

Breakthrough Genomics
Classification: Benign. Review status: criteria provided, single submitter. Criteria: ACMG Guidelines, 2015. Collection method: not provided. Allele origin: germline. Inheritance: Autosomal dominant inheritance. Affected: yes.

NM_001148.6(ANK2):c.4404+45G>A

Gene: ANK2 (ankyrin 2; plus strand). Cytogenetic location: 4q26.
Variant type: single nucleotide variant.
Coding change: c.4404+45G>A on transcript NM_001148.6 (MANE Select); 45 bases into the intron after coding-DNA position 4404, G replaced by A.
Molecular consequence: intron variant.
Genome position (GRCh38, 1-based): chr4:113,348,353, G>A. VCF-style: chr4-113348353-G-A. GRCh37 (hg19) VCF-style: chr4-114269509-G-A.
Other names: c.4389+45G>A (NM_001386186.2, NM_001386148.2); c.4191+45G>A (NM_001354269.3); c.4269+45G>A (NM_001386187.2); c.4231-1875G>A (NM_001386147.1); c.4248+45G>A (NM_001386160.1); c.4353+45G>A (NM_001354254.2); c.4374+45G>A (NM_001354239.2, NM_001354252.2); c.4275+45G>A (NM_001354272.2); and 33 more.
Identifiers: ClinVar variation 673562 (VCV000673562.2), dbSNP rs2272234, ClinGen allele CA3051089.
Genomic context (GRCh38, chr4:113,348,353, plus strand): 5'-AGAACAGGAGGAAGAGGTAATTTTATGACAGTGTCACTTGTTATCGGCTGTGTCATTGCT[G>A]TAACCACTAATAAGAGCACATAGTTAACCTGTGTTCTTAGACGGGGTAGGCGGTTCTTCT-3'